The following is an entry in ClinVar:

ClinVar aggregate classification (germline): Uncertain significance. Review status: criteria provided, multiple submitters, no conflicts (2 of 4 stars). 2 submissions from 2 submitters: Uncertain significance (2). Last evaluated 2024-11-24.

Conditions:
Inborn genetic diseases. Identifiers: MedGen C0950123, MeSH D030342.
C1Q deficiency. Identifiers: MedGen C3150902, MONDO:0013343.

Allele frequency attached by ClinVar (database versions not stated): gnomAD 0.00005; TOPMed 0.00002; ExAC 0.00002; gnomAD exomes 0.00001.

Submissions (2):

Ambry Genetics
Classification: Uncertain significance for Inborn genetic diseases. Last evaluated: 2024-11-24. Review status: criteria provided, single submitter. Criteria: Ambry Variant Classification Scheme 2023. Collection method: clinical testing. Allele origin: germline.

Labcorp Genetics (formerly Invitae), Labcorp
Classification: Uncertain significance. Last evaluated: 2022-10-24. Review status: criteria provided, single submitter. Criteria: Invitae Variant Classification Sherloc (09022015). Collection method: clinical testing. Allele origin: germline.
Comment: This sequence change replaces arginine, which is basic and polar, with histidine, which is basic and polar, at codon 184 of the C1QC protein (p.Arg184His). This variant is present in population databases (rs753779937, gnomAD 0.006%). This variant has not been reported in the literature in individuals affected with C1QC-related conditions. ClinVar contains an entry for this variant (Variation ID: 1351790). Algorithms developed to predict the effect of missense changes on protein structure and function output the following: SIFT: "Tolerated"; PolyPhen-2: "Benign"; Align-GVGD: "Class C0". The histidine amino acid residue is found in multiple mammalian species, which suggests that this missense change does not adversely affect protein function. In summary, the available evidence is currently insufficient to determine the role of this variant in disease. Therefore, it has been classified as a Variant of Uncertain Significance.

NM_172369.5(C1QC):c.551G>A (p.Arg184His)

Gene: C1QC (complement C1q C chain; plus strand). Cytogenetic location: 1p36.12.
Variant type: single nucleotide variant.
Coding change: c.551G>A on transcript NM_172369.5 (MANE Select); coding-DNA position 551, G replaced by A.
Protein change: p.Arg184His; replaces arginine 184 with histidine.
Molecular consequence: missense variant.
Genome position (GRCh38, 1-based): chr1:22,647,596, G>A. VCF-style: chr1-22647596-G-A. GRCh37 (hg19) VCF-style: chr1-22974089-G-A.
Other names: c.551G>A, p.Arg184His (NM_001114101.3, NM_001347619.2); c.284G>A, p.Arg95His (NM_001347620.2); c.551G>A (NM_172369.3); short protein forms R95H, R184H.
Identifiers: ClinVar variation 1351790 (VCV001351790.7), dbSNP rs753779937, ClinGen allele CA678010.